The following is an entry in ClinVar:

ClinVar aggregate classification (germline): Pathogenic (1 of 4 stars; one submission).

Submission:

Labcorp Genetics (formerly Invitae), Labcorp
Classification: Pathogenic. Last evaluated: 2022-08-22. Review status: criteria provided, single submitter. Criteria: Invitae Variant Classification Sherloc (09022015). Collection method: clinical testing. Allele origin: germline.
Comment: Algorithms developed to predict the effect of sequence changes on RNA splicing suggest that this variant may disrupt the consensus splice site. For these reasons, this variant has been classified as Pathogenic. This variant has not been reported in the literature in individuals affected with POLR3A-related conditions. This variant is not present in population databases (gnomAD no frequency). This sequence change creates a premature translational stop signal (p.Ser38Valfs*43) in the POLR3A gene. It is expected to result in an absent or disrupted protein product. Loss-of-function variants in POLR3A are known to be pathogenic (PMID: 21855841, 25339210, 27612211, 30414627, 30450527).

Literature cited by the submitters: PubMed 21855841; PubMed 25339210; PubMed 27612211; PubMed 30414627; PubMed 30450527.

NM_007055.4(POLR3A):c.112del (p.Ser38fs)

Gene: POLR3A (RNA polymerase III subunit A; minus strand). Cytogenetic location: 10q22.3.
Variant type: Deletion.
Coding change: c.112del on transcript NM_007055.4 (MANE Select); coding-DNA position 112, one base deleted (A; older notation c.112delA).
Protein change: p.Ser38fs; shifts the reading frame from serine 38.
Molecular consequence: frameshift variant.
Genome position (GRCh38, 1-based): chr10:78,026,162, T deleted on the plus strand (A on the coding strand, the reverse complement: POLR3A is on the minus strand). VCF-style (leftmost placement, unchanged base first): chr10-78026161-CT-C. GRCh37 (hg19) VCF-style: chr10-79785919-CT-C.
Other names: short protein forms S38fs.
Identifiers: ClinVar variation 1440437 (VCV001440437.6), dbSNP rs2131961978, ClinGen allele CA2573145790.